The following is an entry in ClinVar:

NM_032383.5(HPS3):c.656del (p.Glu219fs)

Gene: HPS3 (HPS3 biogenesis of lysosomal organelles complex 2 subunit 1; plus strand). Cytogenetic location: 3q24.
Variant type: Deletion.
Coding change: c.656del on transcript NM_032383.5 (MANE Select); coding-DNA position 656, one base deleted (A; older notation c.656delA).
Protein change: p.Glu219fs; shifts the reading frame from glutamic acid 219.
Molecular consequence: frameshift variant. On other transcripts: intron variant (1).
Genome position (GRCh38, 1-based): chr3:149,140,442, A deleted. VCF-style (leftmost placement, unchanged base first): chr3-149140441-GA-G. GRCh37 (hg19) VCF-style: chr3-148858228-GA-G.
Other names: c.218-575del (NM_001308258.2); short protein forms E219fs.
Identifiers: ClinVar variation 2826219 (VCV002826219.3), dbSNP rs2473069885, ClinGen allele CA2739279554.
Genomic context (GRCh38, chr3:149,140,441, plus strand): 5'-GCTGTCATGTCAGACTTAGAAGTCTTAATCGTAAAACTGGAGTCAGGCCCTAAAAATGGA[GA>G]GAGAGTTCACCACCATCCACATAAGACCAACAATCGAATAAGACGGACAGAAGAAGGTAA-3'

ClinVar aggregate classification (germline): Pathogenic (1 of 4 stars; one submission).

Submission:

Labcorp Genetics (formerly Invitae), Labcorp
Classification: Pathogenic. Last evaluated: 2023-01-05. Review status: criteria provided, single submitter. Criteria: Invitae Variant Classification Sherloc (09022015). Collection method: clinical testing. Allele origin: germline.
Comment: This sequence change creates a premature translational stop signal (p.Glu219Glyfs*14) in the HPS3 gene. It is expected to result in an absent or disrupted protein product. Loss-of-function variants in HPS3 are known to be pathogenic (PMID: 11590544). This variant is not present in population databases (gnomAD no frequency). For these reasons, this variant has been classified as Pathogenic. This variant has not been reported in the literature in individuals affected with HPS3-related conditions.

Literature cited by the submitters: PubMed 11590544.